The following is an entry in ClinVar:

ClinVar aggregate classification (germline): Uncertain significance (1 of 4 stars; one submission).

Conditions:
Intellectual developmental disorder, autosomal recessive 68. Also called: MENTAL RETARDATION, AUTOSOMAL RECESSIVE 68. Identifiers: MedGen C4749033, MONDO:0032665, OMIM 618302.

Allele frequency attached by ClinVar (database versions not stated): gnomAD exomes 0.00002 and 0.00010; gnomAD 0.00004 and 0.00003; ExAC 0.00002; TOPMed 0.00003.
gnomAD v4.1: 145 of 1,612,358 alleles (0.009%); highest among the groups gnomAD compares: Non-Finnish European, 0.012%; no homozygotes.

Submissions (2):

Baylor Genetics
Classification: Uncertain significance for Intellectual developmental disorder, autosomal recessive 68. Last evaluated: 2020-03-19. Review status: criteria provided, single submitter. Criteria: ACMG Guidelines, 2015. Collection method: clinical testing. Allele origin: unknown. Affected: yes.
Comment: This variant was determined to be of uncertain significance according to ACMG Guidelines, 2015 [PMID:25741868].

Dr. Peter K. Rogan Lab, Western University
No classification provided (evidence only). Condition: Lung cancer. Review status: no classification provided. Collection method: in vitro. Allele origin: not applicable. Functional consequence: retained intron. Not counted in ClinVar's aggregate classification.

NM_001136035.4(TRMT1):c.1833G>A (p.Glu611=)

Gene: TRMT1 (tRNA methyltransferase 1; minus strand). Cytogenetic location: 19p13.13.
Variant type: single nucleotide variant.
Coding change: c.1833G>A on transcript NM_001136035.4 (MANE Select); coding-DNA position 1833, G replaced by A.
Protein change: p.Glu611=; no amino-acid change (glutamic acid 611 retained).
Molecular consequence: synonymous variant.
Genome position (GRCh38, 1-based): chr19:13,105,267, C>T on the plus strand (G>A on the coding strand, the complement: TRMT1 is on the minus strand). VCF-style: chr19-13105267-C-T. GRCh37 (hg19) VCF-style: chr19-13216081-C-T.
Other names: NC_000019.9:g.13216081C>T; c.1746G>A, p.Glu582= (NM_001142554.3, NM_001351760.2); c.1725G>A, p.Glu575= (NM_001351761.2); c.1050G>A, p.Glu350= (NM_001351762.2); c.1833G>A, p.Glu611= (NM_017722.5).
Identifiers: ClinVar variation 1029139 (VCV001029139.2), dbSNP rs778368877, ClinGen allele CA9237483.